The following is an entry in ClinVar:

ClinVar aggregate classification (germline): Likely pathogenic (1 of 4 stars; one submission).

Conditions:
MASA syndrome. Also called: ADDUCTED THUMB WITH MENTAL RETARDATION; CLASPED THUMB AND MENTAL RETARDATION; GAREIS-MASON SYNDROME; MENTAL RETARDATION, APHASIA, SHUFFLING GAIT, AND ADDUCTED THUMBS; SPASTIC PARAPLEGIA 1, X-LINKED; MASA (Mental Retardation, Adducted Thumbs, Shuffling Gait, Aphasia) Syndrome, Including SPG1 (X-Linked Complicated Hereditary Spastic Paraplegia Type 1). Identifiers: Orphanet 2466, MedGen C0795953, MONDO:0010559, OMIM 303350.
X-linked hydrocephalus syndrome (HYCX). Also called: AQUEDUCTAL STENOSIS, X-LINKED; X-Linked Hydrocephalus with Stenosis of the Aqueduct of Sylvius; X-linked hydrocephalus; X-Linked Hydrocephalus with Stenosis of the Aqueduct of Sylvius (HSAS); HYDROCEPHALUS, CONGENITAL, X-LINKED. Identifiers: Orphanet 2182, MedGen C0265216, MONDO:0010611, OMIM 307000.

Submission:

Molecular Genetics Department, Kulakov National Medical Research Center for Obstetrics, Gynecology and Perinatology
Classification: Likely pathogenic for X-linked hydrocephalus syndrome; MASA syndrome. Review status: criteria provided, single submitter. Criteria: ACMG Guidelines, 2015. Collection method: clinical testing. Allele origin: germline. Affected: yes.
Comment: A previously undescribed nucleotide variant creates a premature translation stop signal p.Trp1078Ter in the L1CAM gene. Loss-of-function variants are reported in patients with Hydrocephalus, congenital, 307000, MASA syndrome, 303350. The variant is not present in population database (gnomAD no frequency). In summary, the currently available evidence indicates that the variant is pathogenic, but additional data are needed to prove that conclusively. Therefore, this variant has been classified as likely pathogenic.

NM_001278116.2(L1CAM):c.3233G>A (p.Trp1078Ter)

Gene: L1CAM (L1 cell adhesion molecule; minus strand). Cytogenetic location: Xq28.
Variant type: single nucleotide variant.
Coding change: c.3233G>A on transcript NM_001278116.2 (MANE Select); coding-DNA position 3233, G replaced by A.
Protein change: p.Trp1078Ter; replaces tryptophan 1078 with a stop codon.
Molecular consequence: nonsense.
Genome position (GRCh38, 1-based): chrX:153,864,411, C>T on the plus strand (G>A on the coding strand, the complement: L1CAM is on the minus strand). VCF-style: chrX-153864411-C-T. GRCh37 (hg19) VCF-style: chrX-153129866-C-T.
Other names: c.3233G>A, p.Trp1078Ter (NM_000425.5, NM_024003.3); c.3218G>A, p.Trp1073Ter (NM_001143963.2); short protein forms W1073*, W1078*.
Identifiers: ClinVar variation 3062318 (VCV003062318.1), dbSNP rs2520965527, ClinGen allele CA415110958.